The following is an entry in ClinVar:

ClinVar aggregate classification (germline): Benign/Likely benign. Review status: criteria provided, multiple submitters, no conflicts (2 of 4 stars). 4 submissions from 4 submitters: Benign (2); Likely benign (1). 1 of the submissions does not count toward it. Last evaluated 2026-01-15.

Conditions:
MYOM1-related disorder.
Hypertrophic cardiomyopathy. Also called: HYPERTROPHIC MYOCARDIOPATHY. Identifiers: Orphanet 217569, MedGen C0007194, MeSH D002312, MONDO:0005045, HP:0001639.

Allele frequency attached by ClinVar (database versions not stated): TOPMed 0.00023; gnomAD 0.00031 and 0.00033; ESP Exome Variant Server 0.00041; ExAC 0.00047; gnomAD exomes 0.00047 and 0.00052; 1000 Genomes Project 30x 0.00062; 1000 Genomes Project 0.00080.
gnomAD v4.1: 813 of 1,614,056 alleles (0.05%); highest among the groups gnomAD compares: South Asian, 0.18%; 2 homozygotes.

Submissions (4):

Labcorp Genetics (formerly Invitae), Labcorp
Classification: Benign for Hypertrophic cardiomyopathy. Last evaluated: 2026-01-15. Review status: criteria provided, single submitter. Criteria: Invitae Variant Classification Sherloc (09022015). Collection method: clinical testing. Allele origin: germline.

Ambry Genetics
Classification: Likely benign. Last evaluated: 2022-03-07. Review status: criteria provided, single submitter. Criteria: Ambry Variant Classification Scheme 2023. Collection method: clinical testing. Allele origin: germline.

Breakthrough Genomics
Classification: Benign. Review status: criteria provided, single submitter. Criteria: ACMG Guidelines, 2015. Collection method: not provided. Allele origin: germline. Inheritance: Unknown mechanism. Affected: yes.

PreventionGenetics, part of Exact Sciences
Classification: Likely benign for MYOM1-related condition. Last evaluated: 2019-09-09. Review status: no assertion criteria provided. Collection method: clinical testing. Allele origin: germline. Not counted in ClinVar's aggregate classification.
Comment: This variant is classified as likely benign based on ACMG/AMP sequence variant interpretation guidelines (Richards et al. 2015 PMID: 25741868, with internal and published modifications).

NM_003803.4(MYOM1):c.2715A>G (p.Glu905=)

Gene: MYOM1 (myomesin 1; minus strand). Cytogenetic location: 18p11.31.
Variant type: single nucleotide variant.
Coding change: c.2715A>G on transcript NM_003803.4 (MANE Select); coding-DNA position 2715, A replaced by G.
Protein change: p.Glu905=; no amino-acid change (glutamic acid 905 retained).
Molecular consequence: synonymous variant. On other transcripts: intron variant (1).
Genome position (GRCh38, 1-based): chr18:3,129,311, T>C on the plus strand (A>G on the coding strand, the complement: MYOM1 is on the minus strand). VCF-style: chr18-3129311-T-C. GRCh37 (hg19) VCF-style: chr18-3129309-T-C.
Other names: c.2506+2064A>G (NM_019856.2).
Identifiers: ClinVar variation 454439 (VCV000454439.17), dbSNP rs200170795, ClinGen allele CA8874550.